The following is an entry in ClinVar:

ClinVar aggregate classification (germline): Uncertain significance (0 of 4 stars; one submission).

Conditions:
MAD2L2-related disorder. Also called: MAD2L2-related condition.

Submission:

PreventionGenetics, part of Exact Sciences
Classification: Uncertain significance for MAD2L2-related condition. Last evaluated: 2024-07-10. Review status: no assertion criteria provided. Collection method: clinical testing. Allele origin: germline.
Comment: The MAD2L2 c.-8C>G variant is located in the 5' untranslated region. To our knowledge, this variant has not been reported in the literature or in a large population database, indicating this variant is rare. At this time, the clinical significance of this variant is uncertain due to the absence of conclusive functional and genetic evidence.

NM_006341.4(MAD2L2):c.-8C>G

Gene: MAD2L2 (mitotic arrest deficient 2 like 2; minus strand). Cytogenetic location: 1p36.22.
Variant type: single nucleotide variant.
Coding change: c.-8C>G on transcript NM_006341.4 (MANE Select); 8 bases upstream of the start codon, C replaced by G.
Molecular consequence: 5 prime UTR variant.
Genome position (GRCh38, 1-based): chr1:11,680,609, G>C on the plus strand (C>G on the coding strand, the complement: MAD2L2 is on the minus strand). VCF-style: chr1-11680609-G-C. GRCh37 (hg19) VCF-style: chr1-11740666-G-C.
Other names: c.-8C>G (NM_001127325.2).
Identifiers: ClinVar variation 3345868 (VCV003345868.1).
Genomic context (GRCh38, chr1:11,680,609, plus strand): 5'-CCAGCCTCCCTACCTTGGCCAAAGTTGAGGTCTTGTCGTGTGAGCGTGGTCATCCTTCCC[G>C]CTACCTGAGTGTTGGGGCAAGGGCAGAGGGTAGTTCCAGAGACCCAGGAGCCCAGAACCC-3'